The following is an entry in ClinVar:

ClinVar aggregate classification (germline): Uncertain significance (1 of 4 stars; one submission).

Submission:

GeneDx
Classification: Uncertain significance. Last evaluated: 2026-03-09. Review status: criteria provided, single submitter. Criteria: GeneDx Variant Classification Process June 2021. Collection method: clinical testing. Allele origin: germline.
Comment: Has not been previously published as pathogenic or benign to our knowledge; Not observed at significant frequency in large population cohorts (gnomAD); In silico analysis suggests that this missense variant does not alter protein structure/function

NM_001039591.3(USP9X):c.3259C>A (p.Gln1087Lys)

Gene: USP9X (ubiquitin specific peptidase 9 X-linked; plus strand). Cytogenetic location: Xp11.4.
Variant type: single nucleotide variant.
Coding change: c.3259C>A on transcript NM_001039591.3 (MANE Select); coding-DNA position 3259, C replaced by A.
Protein change: p.Gln1087Lys; replaces glutamine 1087 with lysine.
Molecular consequence: missense variant.
Genome position (GRCh38, 1-based): chrX:41,184,108, C>A. VCF-style: chrX-41184108-C-A. GRCh37 (hg19) VCF-style: chrX-41043361-C-A.
Other names: c.3259C>A, p.Gln1087Lys (NM_001039590.3); c.3274C>A, p.Gln1092Lys (NM_001410748.1, NM_001410749.1, NM_001437534.1); short protein forms Q1087K, Q1092K.
Identifiers: ClinVar variation 5008905 (VCV005008905.1).